The following is an entry in ClinVar:

ClinVar aggregate classification (germline): Uncertain significance. Review status: criteria provided, multiple submitters, no conflicts (2 of 4 stars). 2 submissions from 2 submitters: Uncertain significance (2). Last evaluated 2026-01-29.

Conditions:
Hereditary breast ovarian cancer syndrome. Also called: Hereditary breast and/or ovarian cancer syndrome; Hereditary breast and ovarian cancer syndrome; Hereditary breast and ovarian cancer; Hereditary breast and ovarian cancer syndrome (HBOC); Breast and ovarian cancer; BRCA1- and BRCA2-Associated Hereditary Breast and Ovarian Cancer. Identifiers: Orphanet 145, MedGen C0677776, MeSH D061325, MONDO:0003582. Disease mechanism: loss of function.
Hereditary cancer-predisposing syndrome. Also called: Tumor predisposition; Hereditary Cancer Syndrome; Neoplastic Syndromes, Hereditary; Hereditary neoplastic syndrome. Identifiers: Orphanet 140162, MedGen C0027672, MeSH D009386, MONDO:0015356.

Submissions (2):

Ambry Genetics
Classification: Uncertain significance for Hereditary cancer-predisposing syndrome. Last evaluated: 2026-01-29. Review status: criteria provided, single submitter. Criteria: Ambry Variant Classification Scheme 2023. Collection method: clinical testing. Allele origin: germline.
Comment: The p.S142R variant (also known as c.424A>C), located in coding exon 3 of the BRCA2 gene, results from an A to C substitution at nucleotide position 424. The serine at codon 142 is replaced by arginine, an amino acid with dissimilar properties. This amino acid position is highly conserved in available vertebrate species. In addition, the in silico prediction for this alteration is inconclusive. Based on the available evidence, the clinical significance of this variant remains unclear.

Labcorp Genetics (formerly Invitae), Labcorp
Classification: Uncertain significance for Hereditary breast ovarian cancer syndrome. Last evaluated: 2017-12-17. Review status: criteria provided, single submitter. Criteria: Invitae Variant Classification Sherloc (09022015). Collection method: clinical testing. Allele origin: germline.
Comment: In summary, the available evidence is currently insufficient to determine the role of this variant in disease. Therefore, it has been classified as a Variant of Uncertain Significance. Algorithms developed to predict the effect of missense changes on protein structure and function do not agree on the potential impact of this missense change (SIFT: "Deleterious"; PolyPhen-2: "Probably Damaging"; Align-GVGD: "Class C15"). This variant has not been reported in the literature in individuals with BRCA2-related disease. This variant is not present in population databases (ExAC no frequency). This sequence change replaces serine with arginine at codon 142 of the BRCA2 protein (p.Ser142Arg). The serine residue is highly conserved and there is a moderate physicochemical difference between serine and arginine.

NM_000059.4(BRCA2):c.424A>C (p.Ser142Arg)

Gene: BRCA2 (BRCA2 DNA repair associated; plus strand). Cytogenetic location: 13q13.1.
Variant type: single nucleotide variant.
Coding change: c.424A>C on transcript NM_000059.4 (MANE Select); coding-DNA position 424, A replaced by C.
Protein change: p.Ser142Arg; replaces serine 142 with arginine.
Molecular consequence: missense variant.
Genome position (GRCh38, 1-based): chr13:32,325,183, A>C. VCF-style: chr13-32325183-A-C. GRCh37 (hg19) VCF-style: chr13-32899320-A-C.
Other names: short protein forms S142R.
Identifiers: ClinVar variation 531309 (VCV000531309.10), dbSNP rs1555280873, ClinGen allele CA387756786.
Genomic context (GRCh38, chr13:32,325,183, plus strand): 5'-ACTAAAATGGATCAAGCAGATGATGTTTCCTGTCCACTTCTAAATTCTTGTCTTAGTGAA[A>C]GGTATGATGAAGCTATTATATTAAAATATTTAAATGAAACATTTTCCTACATATATTTGT-3'
Protein context (NP_000050.3, residues 132-152): CPLLNSCLSE[Ser142Arg]PVVLQCTHVT